The following is an entry in ClinVar:

NM_018043.7(ANO1):c.2410G>A (p.Val804Met)

Gene: ANO1 (anoctamin 1; plus strand). Cytogenetic location: 11q13.3.
Variant type: single nucleotide variant.
Coding change: c.2410G>A on transcript NM_018043.7 (MANE Select); coding-DNA position 2410, G replaced by A.
Protein change: p.Val804Met; replaces valine 804 with methionine.
Molecular consequence: missense variant. On other transcripts: non-coding transcript variant (1).
Genome position (GRCh38, 1-based): chr11:70,182,508, G>A. VCF-style: chr11-70182508-G-A. GRCh37 (hg19) VCF-style: chr11-70028614-G-A.
Other names: c.2599G>A, p.Val867Met (NM_001378092.1); c.2398G>A, p.Val800Met (NM_001378093.1, NM_001378094.2, NM_001378095.2); c.2320G>A, p.Val774Met (NM_001378096.2); c.2233G>A, p.Val745Met (NM_001378097.2); short protein forms V745M, V774M, V800M, V804M, V867M.
Identifiers: ClinVar variation 4072287 (VCV004072287.2).
Genomic context (GRCh38, chr11:70,182,508, plus strand): 5'-GGCCCTTCTGCGCCCAGGCTGGGGGTCCCCCTCACTGCCATGTCCCCTGCACAGGCCTTC[G>A]TGATCTCCTTCACGTCTGACTTCATCCCGCGCCTGGTGTACCTCTACATGTACAGTAAGA-3'
Protein context (NP_060513.5, residues 794-814): GKLAVIINAF[Val804Met]ISFTSDFIPR

ClinVar aggregate classification (germline): Uncertain significance (1 of 4 stars; one submission).

Conditions:
Moyamoya disease 7 (MYMY7). Identifiers: MedGen C5882748, MONDO:0958202, OMIM 620687.

Submission:

3billion
Classification: Uncertain significance for Moyamoya disease 7. Last evaluated: 2024-12-27. Review status: criteria provided, single submitter. Criteria: ACMG Guidelines, 2015. Collection method: clinical testing. Allele origin: germline. Affected: yes.
Comment: The variant is observed at an extremely low frequency in the gnomAD v4.1.0 dataset (total allele frequency: <0.001%). Predicted Consequence/Location: Missense variant Therefore, this variant is classified as VUS according to the recommendation of ACMG/AMP guideline.